The following is an entry in ClinVar:

NM_031372.4(HNRNPDL):c.330G>A (p.Gln110=)

Gene: HNRNPDL (heterogeneous nuclear ribonucleoprotein D like; minus strand). Cytogenetic location: 4q21.22.
Variant type: single nucleotide variant.
Coding change: c.330G>A on transcript NM_031372.4 (MANE Select); coding-DNA position 330, G replaced by A.
Protein change: p.Gln110=; no amino-acid change (glutamine 110 retained).
Molecular consequence: synonymous variant. On other transcripts: non-coding transcript variant (1).
Genome position (GRCh38, 1-based): chr4:82,429,361, C>T on the plus strand (G>A on the coding strand, the complement: HNRNPDL is on the minus strand). VCF-style: chr4-82429361-C-T. GRCh37 (hg19) VCF-style: chr4-83350514-C-T.
Other names: c.330G>A, p.Gln110= (NM_001207000.1).
Identifiers: ClinVar variation 464387 (VCV000464387.37), dbSNP rs370279130, ClinGen allele CA2985045.
Genomic context (GRCh38, chr4:82,429,361, plus strand): 5'-CTCTATATTGCTGTACTCGTTCATATCCTCCATAGTGACGGAGCTGTCGGCAGGGGGGTG[C>T]TGGCGCGCAGTCCGGGTCGCGGCAGCAGCGGCGGCGGAGCGTTGTATGGAGCTGGATTTA-3'
Protein context (NP_112740.1, residues 100-120): AAAAATRTAR[Gln110=]HPPADSSVTM

ClinVar aggregate classification (germline): Benign. Review status: criteria provided, multiple submitters, no conflicts (2 of 4 stars). 2 submissions from 2 submitters: Benign (2). Last evaluated 2026-01-15.

Conditions:
Autosomal dominant limb-girdle muscular dystrophy type 1G (LGMDD3). Also called: Limb-girdle muscular dystrophy, type 1G; MUSCULAR DYSTROPHY, LIMB-GIRDLE, AUTOSOMAL DOMINANT 3. Identifiers: Orphanet 55596, MedGen C1836765, MONDO:0012193, OMIM 609115.

Allele frequency attached by ClinVar (database versions not stated): gnomAD exomes 0.00005 and 0.00012; ExAC 0.00013; 1000 Genomes Project 0.00020; ESP Exome Variant Server 0.00062; gnomAD 0.00066 and 0.00072; TOPMed 0.00077.
gnomAD v4.1: 196 of 1,613,616 alleles (0.012%); highest among the groups gnomAD compares: African/African-American, 0.22%; no homozygotes.

Submissions (2):

Labcorp Genetics (formerly Invitae), Labcorp
Classification: Benign for Autosomal dominant limb-girdle muscular dystrophy type 1G. Last evaluated: 2026-01-15. Review status: criteria provided, single submitter. Criteria: Invitae Variant Classification Sherloc (09022015). Collection method: clinical testing. Allele origin: germline.

CeGaT Center for Human Genetics Tuebingen
Classification: Benign. Last evaluated: 2022-07-01. Review status: criteria provided, single submitter. Criteria: CeGaT Center For Human Genetics Tuebingen Variant Classification Criteria Version 2. Collection method: clinical testing. Allele origin: germline. Affected: yes. Observed: 1 variant allele.
Comment: HNRNPDL: BS1, BS2